The following is an entry in ClinVar:

ClinVar aggregate classification (germline): Pathogenic (1 of 4 stars; one submission).

Conditions:
Retinoblastoma (RB1). Also called: RETINOBLASTOMA, SOMATIC. Identifiers: Orphanet 790, MedGen C0035335, MeSH D012175, MONDO:0008380, OMIM 180200, HP:0009919. Disease mechanism: loss of function. Inheritance: Both sporadic and heritable forms are tested..

Submission:

Labcorp Genetics (formerly Invitae), Labcorp
Classification: Pathogenic for Retinoblastoma. Last evaluated: 2018-04-24. Review status: criteria provided, single submitter. Criteria: Invitae Variant Classification Sherloc (09022015). Collection method: clinical testing. Allele origin: germline.
Comment: This sequence change creates a premature translational stop signal (p.Gly100Argfs*10) in the RB1 gene. It is expected to result in an absent or disrupted protein product. This variant is not present in population databases (ExAC no frequency). This variant has not been reported in the literature in individuals with RB1-related disease. Loss-of-function variants in RB1 are known to be pathogenic (PMID: 17096365). For these reasons, this variant has been classified as Pathogenic.

NM_000321.3(RB1):c.297_298insA (p.Gly100fs)

Gene: RB1 (RB transcriptional corepressor 1; plus strand). Cytogenetic location: 13q14.2.
Variant type: Insertion.
Coding change: c.297_298insA on transcript NM_000321.3 (MANE Select); coding-DNA positions 297 to 298, A inserted.
Protein change: p.Gly100fs; shifts the reading frame from glycine 100.
Molecular consequence: frameshift variant.
Genome position: GRCh38 VCF-style: chr13-48342631-G-GA. GRCh37 (hg19) VCF-style: chr13-48916767-G-GA.
Other names: short protein forms G100fs.
Identifiers: ClinVar variation 580262 (VCV000580262.1), dbSNP rs1566186087, ClinGen allele CA891844330.